The following is an entry in ClinVar:

ClinVar aggregate classification (germline): Uncertain significance (1 of 4 stars; one submission).

Conditions:
Perlman syndrome (PRLMNS). Identifiers: Orphanet 2849, MedGen C0796113, MONDO:0009965, OMIM 267000.

gnomAD v4.1: 1 of 1,613,582 alleles (0.000062%); no homozygotes.

Submission:

Labcorp Genetics (formerly Invitae), Labcorp
Classification: Uncertain significance for Perlman syndrome. Last evaluated: 2021-01-01. Review status: criteria provided, single submitter. Criteria: Invitae Variant Classification Sherloc (09022015). Collection method: clinical testing. Allele origin: germline.
Comment: In summary, the available evidence is currently insufficient to determine the role of this variant in disease. Therefore, it has been classified as a Variant of Uncertain Significance. Algorithms developed to predict the effect of missense changes on protein structure and function are either unavailable or do not agree on the potential impact of this missense change (SIFT: "Deleterious"; PolyPhen-2: "Probably Damaging"; Align-GVGD: "Class C0"). This variant has not been reported in the literature in individuals with DIS3L2-related conditions. This variant is not present in population databases (ExAC no frequency). This sequence change replaces isoleucine with threonine at codon 382 of the DIS3L2 protein (p.Ile382Thr). The isoleucine residue is highly conserved and there is a moderate physicochemical difference between isoleucine and threonine.

NM_152383.5(DIS3L2):c.1145T>C (p.Ile382Thr)

Gene: DIS3L2 (DIS3 like 3'-5' exoribonuclease 2; plus strand). Cytogenetic location: 2q37.1.
Variant type: single nucleotide variant.
Coding change: c.1145T>C on transcript NM_152383.5 (MANE Select); coding-DNA position 1145, T replaced by C.
Protein change: p.Ile382Thr; replaces isoleucine 382 with threonine.
Molecular consequence: missense variant. On other transcripts: non-coding transcript variant (2).
Genome position (GRCh38, 1-based): chr2:232,210,346, T>C. VCF-style: chr2-232210346-T-C. GRCh37 (hg19) VCF-style: chr2-233075056-T-C.
Other names: c.1145T>C, p.Ile382Thr (NM_001257281.2); short protein forms I382T.
Identifiers: ClinVar variation 1350009 (VCV001350009.8), dbSNP rs2106217920, ClinGen allele CA351154015.